The following is an entry in ClinVar:

ClinVar aggregate classification (germline): Likely pathogenic (1 of 4 stars; one submission).

Conditions:
Charcot-Marie-Tooth disease type 2. Also called: Charcot-Marie-Tooth type 2. Identifiers: Orphanet 64746, MedGen C0270914, MONDO:0018993.

Submission:

Labcorp Genetics (formerly Invitae), Labcorp
Classification: Likely pathogenic for Charcot-Marie-Tooth disease type 2. Last evaluated: 2022-11-29. Review status: criteria provided, single submitter. Criteria: Invitae Variant Classification Sherloc (09022015). Collection method: clinical testing. Allele origin: germline.
Comment: This variant has not been reported in the literature in individuals affected with GARS-related conditions. In summary, the currently available evidence indicates that the variant is pathogenic, but additional data are needed to prove that conclusively. Therefore, this variant has been classified as Likely Pathogenic. This variant disrupts the p.Pro336 amino acid residue in GARS. Other variant(s) that disrupt this residue have been determined to be pathogenic (Invitae). This suggests that this residue is clinically significant, and that variants that disrupt this residue are likely to be disease-causing. Advanced modeling of protein sequence and biophysical properties (such as structural, functional, and spatial information, amino acid conservation, physicochemical variation, residue mobility, and thermodynamic stability) performed at Invitae indicates that this missense variant is expected to disrupt GARS protein function. This variant is not present in population databases (gnomAD no frequency). This sequence change replaces proline, which is neutral and non-polar, with leucine, which is neutral and non-polar, at codon 336 of the GARS protein (p.Pro336Leu).

NM_002047.4(GARS1):c.1007C>T (p.Pro336Leu)

Gene: GARS1 (glycyl-tRNA synthetase 1; plus strand). Cytogenetic location: 7p14.3.
Variant type: single nucleotide variant.
Coding change: c.1007C>T on transcript NM_002047.4 (MANE Select); coding-DNA position 1007, C replaced by T.
Protein change: p.Pro336Leu; replaces proline 336 with leucine.
Molecular consequence: missense variant.
Genome position (GRCh38, 1-based): chr7:30,612,221, C>T. VCF-style: chr7-30612221-C-T. GRCh37 (hg19) VCF-style: chr7-30651837-C-T.
Other names: c.845C>T, p.Pro282Leu (NM_001316772.1); short protein forms P336L, P282L.
Identifiers: ClinVar variation 2115108 (VCV002115108.4), dbSNP rs2128134025, ClinGen allele CA367125543.